The following is an entry in ClinVar:

ClinVar aggregate classification (germline): Uncertain significance (1 of 4 stars; one submission).

Conditions:
Cardiomyopathy (CMYO). Also called: Cardiomyopathies. Identifiers: Orphanet 167848, MedGen C0878544, MONDO:0004994, HP:0001638. Inheritance: Various modes of inheritance.

Submission:

All of Us Research Program, National Institutes of Health
Classification: Uncertain significance for Cardiomyopathy. Last evaluated: 2024-07-20. Review status: criteria provided, single submitter. Criteria: ACMG Guidelines, 2015. Collection method: clinical testing. Allele origin: germline. Inheritance: Autosomal dominant inheritance. Observed: 1 variant allele, 1 heterozygote.
Comment: This missense variant replaces arginine with proline at codon 703 of the MYH7 protein. Computational prediction suggests that this variant may have deleterious impact on protein structure and function (internally defined REVEL score threshold >= 0.7, PMID: 27666373). To our knowledge, functional studies have not been reported for this variant. This variant has not been reported in individuals affected with MYH7-related disorders in the literature. This variant has not been identified in the general population by the Genome Aggregation Database (gnomAD). The available evidence is insufficient to determine the role of this variant in disease conclusively. Therefore, this variant is classified as a Variant of Uncertain Significance.

This study involves interpretation of variants in research participants for the purpose of population health screening. Participant phenotype was not available at the time of variant classification. Additional details can be found in publication PMID: 35346344, PMCID: PMC8962531

NM_000257.4(MYH7):c.2108G>C (p.Arg703Pro)

Gene: MYH7 (myosin heavy chain 7; minus strand). Cytogenetic location: 14q11.2.
Variant type: single nucleotide variant.
Coding change: c.2108G>C on transcript NM_000257.4 (MANE Select); coding-DNA position 2108, G replaced by C.
Protein change: p.Arg703Pro; replaces arginine 703 with proline.
Molecular consequence: missense variant.
Genome position (GRCh38, 1-based): chr14:23,426,018, C>G on the plus strand (G>C on the coding strand, the complement: MYH7 is on the minus strand). VCF-style: chr14-23426018-C-G. GRCh37 (hg19) VCF-style: chr14-23895227-C-G.
Other names: c.2108G>C, p.Arg703Pro (NM_001407004.1); short protein forms R703P.
Identifiers: ClinVar variation 3387341 (VCV003387341.1).